The following is an entry in ClinVar:

NM_001123385.2(BCOR):c.1676G>A (p.Gly559Glu)

Gene: BCOR (BCL6 corepressor; minus strand). Cytogenetic location: Xp11.4.
Variant type: single nucleotide variant.
Coding change: c.1676G>A on transcript NM_001123385.2 (MANE Select); coding-DNA position 1676, G replaced by A.
Protein change: p.Gly559Glu; replaces glycine 559 with glutamic acid.
Molecular consequence: missense variant.
Genome position (GRCh38, 1-based): chrX:40,073,670, C>T on the plus strand (G>A on the coding strand, the complement: BCOR is on the minus strand). VCF-style: chrX-40073670-C-T. GRCh37 (hg19) VCF-style: chrX-39932923-C-T.
Other names: c.1676G>A, p.Gly559Glu (NM_017745.6, NM_001123383.2, NM_001123384.2 and 4 more transcripts); short protein forms G559E.
Identifiers: ClinVar variation 4203303 (VCV004203303.2).
Genomic context (GRCh38, chrX:40,073,670, plus strand): 5'-TCTGCATTGGCATTGGGGGCGGGTGATGCGGAGGCTGGGCGGCCTGCACTCGACACTGAC[C>T]CTGAAACGTTAGTGATGACAGCATCGGTGCCGCCCATGCGCGGGCATGATGAACTCCGCT-3'
Protein context (NP_001116857.1, residues 549-569): GTDAVITNVS[Gly559Glu]SVSSAGRPAS

ClinVar aggregate classification (germline): Uncertain significance. Review status: criteria provided, multiple submitters, no conflicts (2 of 4 stars). 2 submissions from 2 submitters: Uncertain significance (2). Last evaluated 2025-10-14.

Conditions:
Oculofaciocardiodental syndrome (MCOPS2). Identifiers: Orphanet 2712, MedGen C1846265, MONDO:0010261, OMIM 300166.
Inborn genetic diseases. Identifiers: MedGen C0950123, MeSH D030342.

gnomAD v4.1: 2 of 1,212,488 alleles (0.00016%); highest among the groups gnomAD compares: Admixed American, 0.0022%; no homozygotes.

Submissions (2):

Labcorp Genetics (formerly Invitae), Labcorp
Classification: Uncertain significance for Oculofaciocardiodental syndrome. Last evaluated: 2025-10-14. Review status: criteria provided, single submitter. Criteria: Invitae Variant Classification Sherloc (09022015). Collection method: clinical testing. Allele origin: germline.
Comment: This sequence change replaces glycine, which is neutral and non-polar, with glutamic acid, which is acidic and polar, at codon 559 of the BCOR protein (p.Gly559Glu). This variant is not present in population databases (gnomAD no frequency). This variant has not been reported in the literature in individuals affected with BCOR-related conditions. An algorithm developed to predict the effect of missense changes on protein structure and function (PolyPhen-2) suggests that this variant is likely to be disruptive. In summary, the available evidence is currently insufficient to determine the role of this variant in disease. Therefore, it has been classified as a Variant of Uncertain Significance.

Ambry Genetics
Classification: Uncertain significance for Inborn genetic diseases. Last evaluated: 2025-08-09. Review status: criteria provided, single submitter. Criteria: Ambry Variant Classification Scheme 2023. Collection method: clinical testing. Allele origin: germline.